The following is an entry in ClinVar:

NM_016363.5(GP6):c.*263G>A

Gene: GP6 (glycoprotein VI platelet; minus strand). Cytogenetic location: 19q13.42.
Variant type: single nucleotide variant.
Coding change: c.*263G>A on transcript NM_016363.5 (MANE Select); 263 bases downstream of the stop codon, G replaced by A.
Molecular consequence: 3 prime UTR variant. On other transcripts: nonsense (1).
Genome position (GRCh38, 1-based): chr19:55,014,658, C>T on the plus strand (G>A on the coding strand, the complement: GP6 is on the minus strand). VCF-style: chr19-55014658-C-T. GRCh37 (hg19) VCF-style: chr19-55526026-C-T.
Other names: p.Trp429*; c.1287G>A, p.Trp429Ter (NM_001083899.2); c.*263G>A (NM_001256017.2); short protein forms W429*.
Identifiers: ClinVar variation 789672 (VCV000789672.14), dbSNP rs74697203, ClinGen allele CA310121358.

ClinVar aggregate classification (germline): Benign. Review status: criteria provided, multiple submitters, no conflicts (2 of 4 stars). 4 submissions from 4 submitters: Benign (4). Last evaluated 2026-01-20.

Conditions:
GP6-related disorder. Also called: GP6-related condition.

Allele frequency attached by ClinVar (database versions not stated): gnomAD exomes 0.00106 and 0.00293; ExAC 0.00353; gnomAD 0.01110 and 0.01200; 1000 Genomes Project 30x 0.01265; TOPMed 0.01277; 1000 Genomes Project 0.01298; ESP Exome Variant Server 0.01383.
gnomAD v4.1: 3,378 of 1,614,062 alleles (0.21%); highest among the groups gnomAD compares: African/African-American, 3.7%; 63 homozygotes.

Submissions (4):

Labcorp Genetics (formerly Invitae), Labcorp
Classification: Benign. Last evaluated: 2026-01-20. Review status: criteria provided, single submitter. Criteria: Invitae Variant Classification Sherloc (09022015). Collection method: clinical testing. Allele origin: germline.

PreventionGenetics, part of Exact Sciences
Classification: Benign for GP6-related condition. Last evaluated: 2025-02-20. Review status: criteria provided, single submitter. Criteria: ACMG Guidelines, 2015. Collection method: clinical testing. Allele origin: germline.
Comment: This variant is classified as benign based on ACMG/AMP sequence variant interpretation guidelines (Richards et al. 2015 PMID: 25741868, with internal and published modifications).

Mayo Clinic Laboratories, Mayo Clinic
Classification: Benign. Last evaluated: 2024-01-24. Review status: criteria provided, single submitter. Criteria: ACMG Guidelines, 2015. Collection method: clinical testing. Allele origin: germline. Observed: 9 variant alleles.
Comment: BS1, BS2

Breakthrough Genomics
Classification: Benign. Review status: criteria provided, single submitter. Criteria: ACMG Guidelines, 2015. Collection method: not provided. Allele origin: germline. Inheritance: Autosomal recessive inheritance. Affected: yes.